The following is an entry in ClinVar:

NM_006180.6(NTRK2):c.2173-1G>A

Gene: NTRK2 (neurotrophic receptor tyrosine kinase 2; plus strand). Cytogenetic location: 9q21.33.
Variant type: single nucleotide variant.
Coding change: c.2173-1G>A on transcript NM_006180.6 (MANE Select); the canonical splice acceptor site of the intron before coding-DNA position 2173, G replaced by A.
Molecular consequence: splice acceptor variant.
Genome position (GRCh38, 1-based): chr9:85,020,205, G>A. VCF-style: chr9-85020205-G-A. GRCh37 (hg19) VCF-style: chr9-87635120-G-A.
Other names: c.2125-1G>A (NM_001369532.1, NM_001369533.1, NM_001018064.3); c.2089-1G>A (NM_001369534.1); c.1705-1G>A (NM_001369536.1); c.1657-1G>A (NM_001369535.1).
Identifiers: ClinVar variation 4995758 (VCV004995758.1).

ClinVar aggregate classification (germline): Uncertain significance (1 of 4 stars; one submission).

Conditions:
NTRK2-related disorder. Also called: NTRK2-related condition.

Submission:

PreventionGenetics, part of Exact Sciences
Classification: Uncertain significance for NTRK2-related condition. Last evaluated: 2026-05-21. Review status: criteria provided, single submitter. Criteria: ACMG Guidelines, 2015. Collection method: clinical testing. Allele origin: germline.
Comment: The NTRK2 c.2173-1G>A variant is predicted to disrupt the AG splice acceptor site and interfere with normal splicing. However, this variant is predicted to result in an in-frame transcript. To our knowledge, this variant has not been reported in the literature or in a large population database (gnomAD), indicating this variant is rare. At this time, the clinical significance of this variant is uncertain due to the absence of conclusive functional and genetic evidence.